The following is an entry in ClinVar:

ClinVar aggregate classification (germline): Uncertain significance (1 of 4 stars; one submission).

Submission:

Labcorp Genetics (formerly Invitae), Labcorp
Classification: Uncertain significance. Last evaluated: 2023-05-02. Review status: criteria provided, single submitter. Criteria: Invitae Variant Classification Sherloc (09022015). Collection method: clinical testing. Allele origin: germline.
Comment: In summary, the available evidence is currently insufficient to determine the role of this variant in disease. Therefore, it has been classified as a Variant of Uncertain Significance. Advanced modeling of protein sequence and biophysical properties (such as structural, functional, and spatial information, amino acid conservation, physicochemical variation, residue mobility, and thermodynamic stability) performed at Invitae indicates that this missense variant is not expected to disrupt CTNNA1 protein function. This variant has not been reported in the literature in individuals affected with CTNNA1-related conditions. This variant is not present in population databases (gnomAD no frequency). This sequence change replaces alanine, which is neutral and non-polar, with threonine, which is neutral and polar, at codon 263 of the CTNNA1 protein (p.Ala263Thr).

NM_001903.5(CTNNA1):c.787G>A (p.Ala263Thr)

Gene: CTNNA1 (catenin alpha 1; plus strand). Cytogenetic location: 5q31.2.
Variant type: single nucleotide variant.
Coding change: c.787G>A on transcript NM_001903.5 (MANE Select); coding-DNA position 787, G replaced by A.
Protein change: p.Ala263Thr; replaces alanine 263 with threonine.
Molecular consequence: missense variant.
Genome position (GRCh38, 1-based): chr5:138,824,728, G>A. VCF-style: chr5-138824728-G-A. GRCh37 (hg19) VCF-style: chr5-138160417-G-A.
Other names: c.787G>A, p.Ala263Thr (NM_001290307.3, NM_001323982.2, NM_001323983.1 and 3 more transcripts); c.478G>A, p.Ala160Thr (NM_001290309.3); c.418G>A, p.Ala140Thr (NM_001290310.3); short protein forms A140T, A160T, A263T.
Identifiers: ClinVar variation 2861417 (VCV002861417.3), dbSNP rs2532425853, ClinGen allele CA361130031.